The following is an entry in ClinVar:

ClinVar aggregate classification (germline): Benign (1 of 4 stars; one submission).

Conditions:
Oculotrichoanal syndrome (MOTA). Also called: MARLES SYNDROME; Manitoba Oculotrichoanal (MOTA) Syndrome. Identifiers: Orphanet 2717, MedGen C1855425, MONDO:0009560, OMIM 248450.

Allele frequency attached by ClinVar (database versions not stated): TOPMed 0.00786; gnomAD 0.00804; 1000 Genomes Project 0.00739; 1000 Genomes Project 30x 0.00781.

Submission:

Illumina Laboratory Services, Illumina
Classification: Benign for Oculotrichoanal syndrome. Last evaluated: 2018-01-13. Review status: criteria provided, single submitter. Criteria: ICSL Variant Classification Criteria 13 December 2019. Collection method: clinical testing. Allele origin: germline.
Comment: This variant was observed in the ICSL laboratory as part of a predisposition screen in an ostensibly healthy population. It had not been previously curated by ICSL or reported in the Human Gene Mutation Database (HGMD: prior to June 1st, 2018), and was therefore a candidate for classification through an automated scoring system. Utilizing variant allele frequency, disease prevalence and penetrance estimates, and inheritance mode, an automated score was calculated to assess if this variant is too frequent to cause the disease. Based on the score and internal cut-off values, a variant classified as benign is not then subjected to further curation. The score for this variant resulted in a classification of benign for this disease.

NM_144966.5(FREM1):c.*1376G>T

Gene: FREM1 (FRAS1 related extracellular matrix 1; minus strand). Cytogenetic location: 9p22.3.
Variant type: single nucleotide variant.
Coding change: c.*1376G>T on transcript NM_144966.5; 1376 bases downstream of the stop codon, G replaced by T.
Genome position (GRCh38, 1-based): chr9:14,736,020, C>A on the plus strand (G>T on the coding strand, the complement: FREM1 is on the minus strand). VCF-style: chr9-14736020-C-A. GRCh37 (hg19) VCF-style: chr9-14736018-C-A.
Identifiers: ClinVar variation 366076 (VCV000366076.7), dbSNP rs150510806, ClinGen allele CA10633155.